The following is an entry in ClinVar:

ClinVar aggregate classification (germline): Uncertain significance (1 of 4 stars; one submission).

Allele frequency attached by ClinVar (database versions not stated): gnomAD exomes below 0.00001; TOPMed below 0.00001.
gnomAD v4.1: 1 of 1,614,068 alleles (0.000062%); no homozygotes.

Submission:

Labcorp Genetics (formerly Invitae), Labcorp
Classification: Uncertain significance. Last evaluated: 2021-05-17. Review status: criteria provided, single submitter. Criteria: Invitae Variant Classification Sherloc (09022015). Collection method: clinical testing. Allele origin: germline.
Comment: In summary, the available evidence is currently insufficient to determine the role of this variant in disease. Therefore, it has been classified as a Variant of Uncertain Significance. Advanced modeling of protein sequence and biophysical properties (such as structural, functional, and spatial information, amino acid conservation, physicochemical variation, residue mobility, and thermodynamic stability) performed at Invitae indicates that this missense variant is not expected to disrupt OPA1 protein function. This variant has not been reported in the literature in individuals with OPA1-related conditions. This variant is not present in population databases (ExAC no frequency). This sequence change replaces glycine with glutamic acid at codon 26 of the OPA1 protein (p.Gly26Glu). The glycine residue is weakly conserved and there is a moderate physicochemical difference between glycine and glutamic acid.

NM_130837.3(OPA1):c.77G>A (p.Gly26Glu)

Gene: OPA1 (OPA1 mitochondrial dynamin like GTPase; plus strand). Cytogenetic location: 3q29.
Variant type: single nucleotide variant.
Coding change: c.77G>A on transcript NM_130837.3 (MANE Select); coding-DNA position 77, G replaced by A.
Protein change: p.Gly26Glu; replaces glycine 26 with glutamic acid.
Molecular consequence: missense variant. On other transcripts: 5 prime UTR variant (2).
Genome position (GRCh38, 1-based): chr3:193,614,767, G>A. VCF-style: chr3-193614767-G-A. GRCh37 (hg19) VCF-style: chr3-193332556-G-A.
Other names: c.-296G>A (NM_001354663.2, NM_001354664.2); c.77G>A, p.Gly26Glu (NM_015560.3, NM_130831.3, NM_130832.3 and 4 more transcripts); short protein forms G26E.
Identifiers: ClinVar variation 1417132 (VCV001417132.8), dbSNP rs1473275837, ClinGen allele CA355786457.